The following is an entry in ClinVar:

ClinVar aggregate classification (germline): Uncertain significance. Review status: criteria provided, multiple submitters, no conflicts (2 of 4 stars). 2 submissions from 2 submitters: Uncertain significance (2). Last evaluated 2024-02-08.

Conditions:
Familial sleep-related hypermotor epilepsy. Also called: Autosomal Dominant Sleep-Related Hypermotor (Hyperkinetic) Epilepsy. Identifiers: Orphanet 98784, MedGen C3696898, MONDO:0000030.

gnomAD v4.1: 1 of 1,614,104 alleles (0.000062%); highest among the groups gnomAD compares: Non-Finnish European, 0.000085%; no homozygotes.

Submissions (2):

Labcorp Genetics (formerly Invitae), Labcorp
Classification: Uncertain significance. Last evaluated: 2024-02-08. Review status: criteria provided, single submitter. Criteria: Invitae Variant Classification Sherloc (09022015). Collection method: clinical testing. Allele origin: germline.
Comment: This sequence change replaces isoleucine, which is neutral and non-polar, with methionine, which is neutral and non-polar, at codon 257 of the CHRNA4 protein (p.Ile257Met). This variant is not present in population databases (gnomAD no frequency). This variant has not been reported in the literature in individuals affected with CHRNA4-related conditions. Advanced modeling of protein sequence and biophysical properties (such as structural, functional, and spatial information, amino acid conservation, physicochemical variation, residue mobility, and thermodynamic stability) performed at Invitae indicates that this missense variant is not expected to disrupt CHRNA4 protein function with a negative predictive value of 80%. In summary, the available evidence is currently insufficient to determine the role of this variant in disease. Therefore, it has been classified as a Variant of Uncertain Significance.

GeneDx
Classification: Uncertain significance. Last evaluated: 2023-12-07. Review status: criteria provided, single submitter. Criteria: GeneDx Variant Classification Process June 2021. Collection method: clinical testing. Allele origin: germline. Affected: yes.
Comment: Not observed at significant frequency in large population cohorts (gnomAD); In silico analysis supports that this missense variant has a deleterious effect on protein structure/function; Has not been previously published as pathogenic or benign to our knowledge

NM_000744.7(CHRNA4):c.771C>G (p.Ile257Met)

Gene: CHRNA4 (cholinergic receptor nicotinic alpha 4 subunit; minus strand). Cytogenetic location: 20q13.33.
Variant type: single nucleotide variant.
Coding change: c.771C>G on transcript NM_000744.7 (MANE Select); coding-DNA position 771, C replaced by G.
Protein change: p.Ile257Met; replaces isoleucine 257 with methionine.
Molecular consequence: missense variant. On other transcripts: non-coding transcript variant (1).
Genome position (GRCh38, 1-based): chr20:63,350,640, G>C on the plus strand (C>G on the coding strand, the complement: CHRNA4 is on the minus strand). VCF-style: chr20-63350640-G-C. GRCh37 (hg19) VCF-style: chr20-61981992-G-C.
Other names: c.243C>G, p.Ile81Met (NM_001256573.2); c.771C>G (NM_000744.5); short protein forms I257M, I81M.
Identifiers: ClinVar variation 2788449 (VCV002788449.4), dbSNP rs2516541945, ClinGen allele CA409636803.